The following is an entry in ClinVar:

NM_000277.3(PAH):c.818C>T (p.Ser273Phe)

Gene: PAH (phenylalanine hydroxylase; minus strand). Cytogenetic location: 12q23.2.
Variant type: single nucleotide variant.
Coding change: c.818C>T on transcript NM_000277.3 (MANE Select); coding-DNA position 818, C replaced by T.
Protein change: p.Ser273Phe; replaces serine 273 with phenylalanine.
Molecular consequence: missense variant.
Genome position (GRCh38, 1-based): chr12:102,852,839, G>A on the plus strand (C>T on the coding strand, the complement: PAH is on the minus strand). VCF-style: chr12-102852839-G-A. GRCh37 (hg19) VCF-style: chr12-103246617-G-A.
Other names: NM_000277.2(PAH):c.818C>T; c.818C>T, p.Ser273Phe (NM_001354304.2); c.818C>T (NM_000277.2); short protein forms S273F.
Identifiers: ClinVar variation 598 (VCV000000598.94), dbSNP rs62514953, ClinGen allele CA229785.

ClinVar aggregate classification (germline): Likely pathogenic. Review status: reviewed by expert panel (3 of 4 stars). 7 submissions from 7 submitters: Likely pathogenic (1). 6 of the submissions do not count toward it. Last evaluated 2018-08-10.

Conditions:
Phenylketonuria (PKU). Also called: Phenylketonuria (PKU); Phenylketonurias; OLIGOPHRENIA PHENYLPYRUVICA; FOLLING DISEASE. Identifiers: Orphanet 716, MedGen C0031485, MONDO:0009861, OMIM 261600. Disease mechanism: loss of function.

Allele frequency attached by ClinVar (database versions not stated): gnomAD exomes 0.00001 and 0.00002; gnomAD 0.00001; ExAC 0.00001; TOPMed 0.00001.
gnomAD v4.1: 28 of 1,613,940 alleles (0.0017%); highest among the groups gnomAD compares: Non-Finnish European, 0.0019%; no homozygotes.

Submissions (7):

ClinGen PAH Variant Curation Expert Panel
Classification: Likely pathogenic for Phenylketonuria. Last evaluated: 2018-08-10. Review status: reviewed by expert panel. Criteria: ClinGen PAH ACMG Specifications v1. Collection method: curation. Allele origin: germline. Inheritance: Autosomal recessive inheritance.
Comment: PAH-specific ACMG/AMP criteria applied: PM2: Extremely low frequency in ExAC and gnomAD (1 allele); PP3: Deleterious effect predicted in SIFT, Polyphen2, MutationTaster. REVEL=0.978; PP4_Moderate: S273F was detected in in Northern Ireland, Belgium/French, Western Scotland, and New South Wales PKU patients. BH4 deficiency was assessed in 1 study. Upgraded per ClinGen Metabolic workgroup. (PMID:1671881; PMID:8533759; PMID:9012412; PMID:24368688); PM3_Strong: Seen with 2 known pathogenic mutations: I65T, R408W. Upgraded based on SVI worgroup recommendations and approved PAH guidelines (PMID:24368688). In summary this variant meets criteria to be classified as likely pathogenic for phenylketonuria in an autosomal recessive manner based on the ACMG/AMP criteria applied as specified by the PAH Expert Panel: (PM2, PP3, PP4_Moderate, PM3_Strong).

Natera, Inc.
Classification: Likely pathogenic for Phenylketonuria. Last evaluated: 2026-01-29. Review status: criteria provided, single submitter. Criteria: Natera Variant Classification Schema (03/2026). Collection method: clinical testing. Allele origin: germline. Not counted in ClinVar's aggregate classification.
Comment: The c.818C>T variant in PAH is a missense variant predicted to cause substitution of serine to phenylalanine at amino acid 273. This variant is rare in the general population with a frequency below the threshold expected for the associated phenotype(s). This variant has been observed in one or more individuals affected with the associated recessive disease, as either homozygous or compound heterozygous with a second variant (PMID: 24368688). Computational prediction algorithms indicate this variant is likely to affect gene or protein function. Given the available evidence, this variant is classified as Likely Pathogenic.

Labcorp Genetics (formerly Invitae), Labcorp
Classification: Pathogenic for Phenylketonuria. Last evaluated: 2025-10-09. Review status: criteria provided, single submitter. Criteria: Invitae Variant Classification Sherloc (09022015). Collection method: clinical testing. Allele origin: germline. Not counted in ClinVar's aggregate classification.
Comment: This sequence change replaces serine, which is neutral and polar, with phenylalanine, which is neutral and non-polar, at codon 273 of the PAH protein (p.Ser273Phe). This variant is present in population databases (rs62514953, gnomAD 0.0009%). This missense change has been observed in individual(s) with phenylketonuria (PMID: 24368688; internal data). In at least one individual the data is consistent with being in trans (on the opposite chromosome) from a pathogenic variant. ClinVar contains an entry for this variant (Variation ID: 598). Invitae Evidence Modeling of protein sequence and biophysical properties (such as structural, functional, and spatial information, amino acid conservation, physicochemical variation, residue mobility, and thermodynamic stability) indicates that this missense variant is expected to disrupt PAH protein function with a positive predictive value of 80%. This variant disrupts the p.Ser273 amino acid residue in PAH. Other variant(s) that disrupt this residue have been observed in individuals with PAH-related conditions (PMID: 11142755), which suggests that this may be a clinically significant amino acid residue. For these reasons, this variant has been classified as Pathogenic.

GeneDx
Classification: Likely pathogenic. Last evaluated: 2025-05-07. Review status: criteria provided, single submitter. Criteria: GeneDx Variant Classification Process June 2021. Collection method: clinical testing. Allele origin: germline. Affected: yes. Not counted in ClinVar's aggregate classification.
Comment: Reported in association with phenylalanine hydroxylase deficiency in individuals from Western Scotland and Northern Ireland (PMID: 8533759, 9012412); In silico analysis supports that this missense variant has a deleterious effect on protein structure/function; Not observed at significant frequency in large population cohorts (gnomAD); This variant is associated with the following publications: (PMID: 1671881, 9012412, 32668217, 24368688, 8533759, 10685924, 7913581)

Women's Health and Genetics/Laboratory Corporation of America, LabCorp
Classification: Pathogenic for Phenylketonuria. Last evaluated: 2023-02-03. Review status: criteria provided, single submitter. Criteria: LabCorp Variant Classification Summary - May 2015. Collection method: clinical testing. Allele origin: germline. Not counted in ClinVar's aggregate classification.
Comment: Variant summary: PAH c.818C>T (p.Ser273Phe) results in a non-conservative amino acid change located in the Aromatic amino acid hydroxylase, C-terminal doamin (IPR019774) of the encoded protein sequence. Five of five in-silico tools predict a damaging effect of the variant on protein function. The variant allele was found at a frequency of 8e-06 in 251344 control chromosomes (gnomAD). c.818C>T has been reported in the literature in multiple individuals affected with Phenylalanine Hydroxylase Deficiency (Phenylketonuria) (example: Melle_1991, Rozen_1994, Zschocke_1995, Tyfield_1997, Greeves_2000, Ho_2013). These data indicate that the variant is very likely to be associated with disease. Two submitters including ClinGen PAH Variant Curation Expert Panel have submitted clinical-significance assessments for this variant to ClinVar after 2014 and classified the variant as pathogenic/likely pathogenic. Based on the evidence outlined above, the variant was classified as pathogenic.

OMIM
Classification: Pathogenic for PHENYLKETONURIA. Last evaluated: 1991-01-01. Review status: no assertion criteria provided. Collection method: literature only. Allele origin: germline. Not counted in ClinVar's aggregate classification.

DeBelle Laboratory for Biochemical Genetics, MUHC/MCH RESEARCH INSTITUTE
No classification provided. Review status: no classification provided. Collection method: not provided. Allele origin: not provided. Not counted in ClinVar's aggregate classification.

Literature cited by the submitters: PubMed 24368688 (cited by 4 submitters); PubMed 8533759 (cited by ClinGen PAH Variant Curation Expert Panel and Women's Health and Genetics/Laboratory Corporation of America, LabCorp); PubMed 1671881 (cited by 3 submitters); PubMed 9012412 (cited by ClinGen PAH Variant Curation Expert Panel and Women's Health and Genetics/Laboratory Corporation of America, LabCorp); PubMed 11142755 (cited by Labcorp Genetics (formerly Invitae), Labcorp); PubMed 7913581 (cited by Women's Health and Genetics/Laboratory Corporation of America, LabCorp); PubMed 10685924 (cited by Women's Health and Genetics/Laboratory Corporation of America, LabCorp).